The following is an entry in ClinVar:

NM_004656.4(BAP1):c.1883C>A (p.Ser628Ter)

Gene: BAP1 (BRCA1 associated deubiquitinase 1; minus strand). Cytogenetic location: 3p21.1.
Variant type: single nucleotide variant.
Coding change: c.1883C>A on transcript NM_004656.4 (MANE Select); coding-DNA position 1883, C replaced by A.
Protein change: p.Ser628Ter; replaces serine 628 with a stop codon.
Molecular consequence: nonsense.
Genome position (GRCh38, 1-based): chr3:52,403,145, G>T on the plus strand (C>A on the coding strand, the complement: BAP1 is on the minus strand). VCF-style: chr3-52403145-G-T. GRCh37 (hg19) VCF-style: chr3-52437161-G-T.
Other names: short protein forms S628*.
Identifiers: ClinVar variation 1070605 (VCV001070605.5), dbSNP rs2153226434, ClinGen allele CA353097910.
Genomic context (GRCh38, chr3:52,403,145, plus strand): 5'-TCAGGCCTTACCCTCTGCCAGGATTAAAGGAGAAAACCACAACGGAGGCTCACCTTGGGT[G>T]AGTATTTCTCCCCACTCAAGGGCTCGCCAGGCCTCACCATCCCCGTCTTCTCTCTGCTGT-3'

ClinVar aggregate classification (germline): Pathogenic (1 of 4 stars; one submission).

Conditions:
BAP1-related tumor predisposition syndrome (TPDS1). Also called: Tumor susceptibility linked to germline BAP1 mutations; BAP1 tumor predisposition syndrome; COMMON Syndrome; TUMOR PREDISPOSITION SYNDROME 1. Identifiers: Orphanet 289539, MedGen C3280492, MONDO:0013692, OMIM 614327.

Submission:

Labcorp Genetics (formerly Invitae), Labcorp
Classification: Pathogenic for BAP1-related tumor predisposition syndrome. Last evaluated: 2020-10-20. Review status: criteria provided, single submitter. Criteria: Invitae Variant Classification Sherloc (09022015). Collection method: clinical testing. Allele origin: germline.
Comment: This sequence change creates a premature translational stop signal (p.Ser628*) in the BAP1 gene. It is expected to result in an absent or disrupted protein product. Loss-of-function variants in BAP1 are known to be pathogenic (PMID: 21874000, 23684012). This variant is not present in population databases (ExAC no frequency). This variant has not been reported in the literature in individuals with BAP1-related conditions. For these reasons, this variant has been classified as Pathogenic.

Literature cited by the submitters: PubMed 21874000; PubMed 23684012.